The following is an entry in ClinVar:

ClinVar aggregate classification (germline): Likely benign (1 of 4 stars; one submission).

gnomAD v4.1: 66 of 1,613,924 alleles (0.0041%); highest among the groups gnomAD compares: Non-Finnish European, 0.0047%; no homozygotes.

Submission:

CeGaT Center for Human Genetics Tuebingen
Classification: Likely benign. Last evaluated: 2025-05-01. Review status: criteria provided, single submitter. Criteria: CeGaT Center For Human Genetics Tuebingen Variant Classification Criteria Version 2. Collection method: clinical testing. Allele origin: germline. Affected: yes. Observed: 1 variant allele.
Comment: BTBD6: BP4, BP7

NM_001387567.1(BTBD6):c.1521T>C (p.Cys507=)

Genes: BRF1 (BRF1 general transcription factor IIIB subunit; minus strand), BTBD6 (BTB domain containing 6; plus strand). Cytogenetic location: 14q32.33.
Variant type: single nucleotide variant.
Coding change: c.1521T>C on transcript NM_001387567.1 (MANE Select); coding-DNA position 1521, T replaced by C.
Protein change: p.Cys507=; no amino-acid change (cysteine 507 retained).
Molecular consequence: synonymous variant. On other transcripts: intron variant (4).
Genome position (GRCh38, 1-based): chr14:105,250,576, T>C. VCF-style: chr14-105250576-T-C. GRCh37 (hg19) VCF-style: chr14-105716913-T-C.
Other names: c.1362T>C, p.Cys454= (NM_033271.3); c.199+1931A>G (NM_001242787.2, NM_001242786.2); c.463+1931A>G (NM_001242788.2); c.544+1931A>G (NM_001519.4).
Identifiers: ClinVar variation 3905532 (VCV003905532.10).